The following is an entry in ClinVar:

NM_000136.3(FANCC):c.131T>C (p.Phe44Ser)

Gene: FANCC (FA complementation group C; minus strand). Cytogenetic location: 9q22.32.
Variant type: single nucleotide variant.
Coding change: c.131T>C on transcript NM_000136.3 (MANE Select); coding-DNA position 131, T replaced by C.
Protein change: p.Phe44Ser; replaces phenylalanine 44 with serine.
Molecular consequence: missense variant.
Genome position (GRCh38, 1-based): chr9:95,249,161, A>G on the plus strand (T>C on the coding strand, the complement: FANCC is on the minus strand). VCF-style: chr9-95249161-A-G. GRCh37 (hg19) VCF-style: chr9-98011443-A-G.
Other names: c.131T>C, p.Phe44Ser (NM_001243743.2, NM_001243744.2); short protein forms F44S.
Identifiers: ClinVar variation 656772 (VCV000656772.8), dbSNP rs1588353402, ClinGen allele CA374340265.

ClinVar aggregate classification (germline): Uncertain significance (1 of 4 stars; one submission).

Conditions:
Fanconi anemia (FA). Also called: Fanconi's anemia. Identifiers: Orphanet 84, MedGen C0015625, MeSH D005199, MONDO:0019391.

Submission:

Labcorp Genetics (formerly Invitae), Labcorp
Classification: Uncertain significance for Fanconi anemia. Last evaluated: 2022-02-18. Review status: criteria provided, single submitter. Criteria: Invitae Variant Classification Sherloc (09022015). Collection method: clinical testing. Allele origin: germline.
Comment: This variant is not present in population databases (gnomAD no frequency). This sequence change replaces phenylalanine, which is neutral and non-polar, with serine, which is neutral and polar, at codon 44 of the FANCC protein (p.Phe44Ser). This variant has not been reported in the literature in individuals affected with FANCC-related conditions. ClinVar contains an entry for this variant (Variation ID: 656772). Algorithms developed to predict the effect of missense changes on protein structure and function (SIFT, PolyPhen-2, Align-GVGD) all suggest that this variant is likely to be disruptive. In summary, the available evidence is currently insufficient to determine the role of this variant in disease. Therefore, it has been classified as a Variant of Uncertain Significance.